The following is an entry in ClinVar:

NM_001278431.2(C1QTNF5):c.653A>T (p.Tyr218Phe)

Genes: C1QTNF5 (C1q and TNF related 5; minus strand), MFRP (membrane frizzled-related protein; minus strand). Cytogenetic location: 11q23.3.
Variant type: single nucleotide variant.
Coding change: c.653A>T on transcript NM_001278431.2 (MANE Select); coding-DNA position 653, A replaced by T.
Protein change: p.Tyr218Phe; replaces tyrosine 218 with phenylalanine.
Molecular consequence: missense variant. On other transcripts: 3 prime UTR variant (1).
Genome position (GRCh38, 1-based): chr11:119,339,410, T>A on the plus strand (A>T on the coding strand, the complement: C1QTNF5 is on the minus strand). VCF-style: chr11-119339410-T-A. GRCh37 (hg19) VCF-style: chr11-119210120-T-A.
Other names: c.653A>T, p.Tyr218Phe (NM_015645.5); c.*1549A>T (NM_031433.4); c.653A>T (NM_001278431.1); short protein forms Y218F.
Identifiers: ClinVar variation 1008550 (VCV001008550.8), dbSNP rs758015507, ClinGen allele CA6319904.

ClinVar aggregate classification (germline): Uncertain significance. Review status: criteria provided, multiple submitters, no conflicts (2 of 4 stars). 3 submissions from 3 submitters: Uncertain significance (3). Last evaluated 2025-06-05.

Conditions:
C1QTNF5-related disorder. Also called: C1QTNF5-related condition.

Allele frequency attached by ClinVar (database versions not stated): gnomAD 0.00001 and below 0.00001; gnomAD exomes 0.00001 and 0.00002; ExAC 0.00002.
gnomAD v4.1: 12 of 1,613,236 alleles (0.00074%); highest among the groups gnomAD compares: South Asian, 0.013%; no homozygotes.

Submissions (3):

Labcorp Genetics (formerly Invitae), Labcorp
Classification: Uncertain significance. Last evaluated: 2025-06-05. Review status: criteria provided, single submitter. Criteria: Invitae Variant Classification Sherloc (09022015). Collection method: clinical testing. Allele origin: germline.
Comment: This sequence change replaces tyrosine, which is neutral and polar, with phenylalanine, which is neutral and non-polar, at codon 218 of the C1QTNF5 protein (p.Tyr218Phe). This variant is present in population databases (rs758015507, gnomAD 0.02%). This variant has not been reported in the literature in individuals affected with C1QTNF5-related conditions. ClinVar contains an entry for this variant (Variation ID: 1008550). An algorithm developed to predict the effect of missense changes on protein structure and function (PolyPhen-2) suggests that this variant is likely to be disruptive. In summary, the available evidence is currently insufficient to determine the role of this variant in disease. Therefore, it has been classified as a Variant of Uncertain Significance.

PreventionGenetics, part of Exact Sciences
Classification: Uncertain significance for C1QTNF5-related condition. Last evaluated: 2024-12-11. Review status: criteria provided, single submitter. Criteria: ACMG Guidelines, 2015. Collection method: clinical testing. Allele origin: germline.
Comment: The C1QTNF5 c.653A>T variant is predicted to result in the amino acid substitution p.Tyr218Phe. To our knowledge, this variant has not been reported in the literature. This variant is reported in 0.016% of alleles in individuals of South Asian descent in gnomAD. At this time, the clinical significance of this variant is uncertain due to the absence of conclusive functional and genetic evidence.

Blueprint Genetics
Classification: Uncertain significance. Last evaluated: 2022-05-10. Review status: criteria provided, single submitter. Criteria: ACMG Guidelines, 2015. Collection method: clinical testing. Allele origin: germline.